The following is an entry in ClinVar:

NM_002292.4(LAMB2):c.3414G>T (p.Leu1138Phe)

Gene: LAMB2 (laminin subunit beta 2; minus strand). Cytogenetic location: 3p21.31.
Variant type: single nucleotide variant.
Coding change: c.3414G>T on transcript NM_002292.4 (MANE Select); coding-DNA position 3414, G replaced by T.
Protein change: p.Leu1138Phe; replaces leucine 1138 with phenylalanine.
Molecular consequence: missense variant.
Genome position (GRCh38, 1-based): chr3:49,124,200, C>A on the plus strand (G>T on the coding strand, the complement: LAMB2 is on the minus strand). VCF-style: chr3-49124200-C-A. GRCh37 (hg19) VCF-style: chr3-49161633-C-A.
Other names: p.Leu1138Phe; short protein forms L1138F.
Identifiers: ClinVar variation 3379469 (VCV003379469.2).

ClinVar aggregate classification (germline): Uncertain significance. Review status: criteria provided, multiple submitters, no conflicts (2 of 4 stars). 2 submissions from 2 submitters: Uncertain significance (2). Last evaluated 2024-02-22.

Conditions:
LAMB2-related infantile-onset nephrotic syndrome. Also called: Nephrotic Syndrome, type 5; NEPHROTIC SYNDROME, TYPE 5, WITH OCULAR ABNORMALITIES; NEPHROTIC SYNDROME, TYPE 5, WITHOUT OCULAR ABNORMALITIES. Identifiers: Orphanet 306507, MedGen C3280113, MONDO:0013621, OMIM 614199.
Pierson syndrome. Also called: MICROCORIA-CONGENITAL NEPHROTIC SYNDROME. Identifiers: Orphanet 2670, MedGen C1836876, MONDO:0012184, OMIM 609049.

gnomAD v4.1: 2 of 1,613,922 alleles (0.00012%); highest among the groups gnomAD compares: Non-Finnish European, 0.00017%; no homozygotes.

Submissions (2):

Fulgent Genetics
Classification: Uncertain significance for Pierson syndrome; LAMB2-related infantile-onset nephrotic syndrome. Last evaluated: 2024-02-22. Review status: criteria provided, single submitter. Criteria: ACMG Guidelines, 2015. Collection method: clinical testing. Allele origin: germline.

Mayo Clinic Laboratories, Mayo Clinic
Classification: Uncertain significance. Last evaluated: 2023-07-05. Review status: criteria provided, single submitter. Criteria: ACMG Guidelines, 2015. Collection method: clinical testing. Allele origin: germline. Observed: 1 variant allele.
Comment: BP4